The following is an entry in ClinVar:

ClinVar aggregate classification (germline): Uncertain significance. Review status: criteria provided, multiple submitters, no conflicts (2 of 4 stars). 4 submissions from 4 submitters: Uncertain significance (3). 1 of the submissions does not count toward it. Last evaluated 2019-08-21.

Conditions:
LIPE-related disorder. Also called: LIPE-related condition.
LIPE-related familial partial lipodystrophy. Also called: Familial partial lipodystrophy 6; LIPODYSTROPHY, FAMILIAL PARTIAL, ASSOCIATED WITH LIPE MUTATIONS. Identifiers: Orphanet 435660, MedGen C4014869, MONDO:0014431, OMIM 615980.

Allele frequency attached by ClinVar (database versions not stated): gnomAD exomes 0.00013 and 0.00090; 1000 Genomes Project 30x 0.00016; 1000 Genomes Project 0.00020; gnomAD 0.00027; ExAC 0.00030; TOPMed 0.00055.
gnomAD v4.1: 238 of 1,550,384 alleles (0.015%); highest among the groups gnomAD compares: Admixed American, 0.42%; 1 homozygote.

Submissions (4):

Baylor Genetics
Classification: Uncertain significance for LIPE-related familial partial lipodystrophy. Last evaluated: 2019-08-21. Review status: criteria provided, single submitter. Criteria: ACMG Guidelines, 2015. Collection method: clinical testing. Allele origin: unknown. Affected: yes.
Comment: This variant was determined to be of uncertain significance according to ACMG Guidelines, 2015 [PMID:25741868].

GeneDx
Classification: Uncertain significance. Last evaluated: 2017-02-06. Review status: criteria provided, single submitter. Criteria: GeneDx Variant Classification (06012015). Collection method: clinical testing. Allele origin: germline. Affected: yes.
Comment: The V1014M variant in the LIPE gene has not been reported previously as a pathogenic variant, nor as a benign variant, to our knowledge. This variant is observed in 4/246 (1.63%) alleles from individuals of Latino background, in the ExAC dataset (Lek et al., 2016). The V1014M variant is a conservative amino acid substitution, which is not likely to impact secondary protein structure as these residues share similar properties. This substitution occurs at a position that is conserved across species. In silico analysis is inconsistent in its predictions as to whether or not the variant is damaging to the protein structure/function. We interpret V1014M as a variant of uncertain significance.

Breakthrough Genomics
Classification: Uncertain significance. Review status: criteria provided, single submitter. Criteria: ACMG Guidelines, 2015. Collection method: not provided. Allele origin: germline. Inheritance: Autosomal dominant inheritance. Affected: yes.

PreventionGenetics, part of Exact Sciences
Classification: Likely benign for LIPE-related condition. Last evaluated: 2020-08-10. Review status: no assertion criteria provided. Collection method: clinical testing. Allele origin: germline. Not counted in ClinVar's aggregate classification.
Comment: This variant is classified as likely benign based on ACMG/AMP sequence variant interpretation guidelines (Richards et al. 2015 PMID: 25741868, with internal and published modifications).

NM_005357.4(LIPE):c.3040G>A (p.Val1014Met)

Genes: LIPE (lipase E, hormone sensitive type; minus strand), LIPE-AS1 (LIPE antisense RNA 1; plus strand), LOC101930071 (uncharacterized LOC101930071; plus strand). Cytogenetic location: 19q13.2.
Variant type: single nucleotide variant.
Coding change: c.3040G>A on transcript NM_005357.4 (MANE Select); coding-DNA position 3040, G replaced by A.
Protein change: p.Val1014Met; replaces valine 1014 with methionine.
Molecular consequence: missense variant.
Genome position (GRCh38, 1-based): chr19:42,402,003, C>T on the plus strand (G>A on the coding strand, the complement: LIPE is on the minus strand). VCF-style: chr19-42402003-C-T. GRCh37 (hg19) VCF-style: chr19-42906155-C-T.
Other names: c.3040G>A (NM_005357.3); short protein forms V1014M.
Identifiers: ClinVar variation 393280 (VCV000393280.6), dbSNP rs193061079, ClinGen allele CA9476577.